The following is an entry in ClinVar:

NM_018075.5(ANO10):c.898_899del (p.Lys300fs)

Gene: ANO10 (anoctamin 10; minus strand). Cytogenetic location: 3p22.1.
Variant type: Deletion.
Coding change: c.898_899del on transcript NM_018075.5 (MANE Select); coding-DNA positions 898 to 899, 2 bases deleted (AA; older notation c.898_899delAA).
Protein change: p.Lys300fs; shifts the reading frame from lysine 300.
Molecular consequence: frameshift variant. On other transcripts: intron variant (1).
Genome position (GRCh38, 1-based): chr3:43,576,955-43,576,956, TT deleted on the plus strand (AA on the coding strand, the reverse complement: ANO10 is on the minus strand). VCF-style (leftmost placement, unchanged base first): chr3-43576954-CTT-C. GRCh37 (hg19) VCF-style: chr3-43618446-CTT-C.
Other names: c.898_899del, p.Lys300fs (NM_001204831.3, NM_001346463.2, NM_001346464.2 and 3 more transcripts); c.700_701del, p.Lys234fs (NM_001204832.3, NM_001346466.2, NM_001346469.2); c.565_566del, p.Lys189fs (NM_001204833.3); c.593-2092_593-2091del (NM_001204834.3); short protein forms K234fs, K300fs, K189fs.
Identifiers: ClinVar variation 5014557 (VCV005014557.1).

ClinVar aggregate classification (germline): Pathogenic (1 of 4 stars; one submission).

Conditions:
Autosomal recessive spinocerebellar ataxia 10. Identifiers: Orphanet 284289, MedGen C3150998, MONDO:0013392, OMIM 613728.

Submission:

Myriad Genetics, Inc.
Classification: Pathogenic for Autosomal recessive spinocerebellar ataxia 10. Last evaluated: 2025-06-06. Review status: criteria provided, single submitter. Criteria: Myriad Autosomal Dominant, Autosomal Recessive and X-Linked Classification Criteria (2023). Collection method: clinical testing. Allele origin: unknown.
Comment: NM_018075.3(ANO10):c.898_899delAA(K300Gfs*48) is expected to be pathogenic in the context of spinocerebellar ataxia, ANO10-related. This variant is predicted to lead to an abnormal or absent protein product due to the creation of a premature termination codon in ANO10, a gene where loss-of-function variants are known to be pathogenic. Please note: this variant was assessed in the context of healthy population screening.